The following is an entry in ClinVar:

NM_007294.4(BRCA1):c.4127C>T (p.Thr1376Ile)

Gene: BRCA1 (BRCA1 DNA repair associated; minus strand). Cytogenetic location: 17q21.31.
Variant type: single nucleotide variant.
Coding change: c.4127C>T on transcript NM_007294.4 (MANE Select); coding-DNA position 4127, C replaced by T.
Protein change: p.Thr1376Ile; replaces threonine 1376 with isoleucine.
Molecular consequence: missense variant.
Genome position (GRCh38, 1-based): chr17:43,091,002, G>A on the plus strand (C>T on the coding strand, the complement: BRCA1 is on the minus strand). VCF-style: chr17-43091002-G-A. GRCh37 (hg19) VCF-style: chr17-41243019-G-A.
Other names: c.3917C>T, p.Thr1306Ile (NM_001407910.1, NM_001407879.1, NM_001407881.1 and 13 more transcripts); c.3914C>T, p.Thr1305Ile (NM_001407915.1, NM_001407916.1, NM_001407917.1 and 9 more transcripts); c.4004C>T, p.Thr1335Ile (NM_001407919.1, NM_001407648.1, NM_001407664.1 and 19 more transcripts); c.3863C>T, p.Thr1288Ile (NM_001407920.1, NM_001407921.1, NM_001407922.1 and 9 more transcripts); c.3860C>T, p.Thr1287Ile (NM_001407930.1, NM_001407934.1, NM_001407931.1 and 2 more transcripts); c.677C>T, p.Thr226Ile (NM_001408461.1, NM_001408466.1, NM_001408467.1 and 11 more transcripts); c.674C>T, p.Thr225Ile (NM_001408462.1, NM_001408463.1, NM_001408464.1 and 3 more transcripts); c.818C>T, p.Thr273Ile (NM_001408472.1, NM_007298.4, NM_007299.4 and 17 more transcripts); and 41 more; short protein forms T1248I, T1288I, T1329I, T1335I, T1373I, T145I, T184I, T193I.
Identifiers: ClinVar variation 3825290 (VCV003825290.1).
Genomic context (GRCh38, chr17:43,091,002, plus strand): 5'-ACCTGAGTGGTTAAAATGTCACTCTGAGAGGATAGCCCTGAGCAGTCTTCAGAGACGCTT[G>A]TTTCACTCTCACACCCAGATGCTGCTTCACCTTAAATAACAAAAACAGAGGTTCAGATGT-3'
Protein context (NP_009225.1, residues 1366-1386): GEAASGCESE[Thr1376Ile]SVSEDCSGLS

ClinVar aggregate classification (germline): Uncertain significance (1 of 4 stars; one submission).

Conditions:
Hereditary cancer-predisposing syndrome. Also called: Hereditary neoplastic syndrome; Neoplastic Syndromes, Hereditary; Tumor predisposition; Hereditary Cancer Syndrome. Identifiers: Orphanet 140162, MedGen C0027672, MeSH D009386, MONDO:0015356.

Submission:

Ambry Genetics
Classification: Uncertain significance for Hereditary cancer-predisposing syndrome. Last evaluated: 2025-01-03. Review status: criteria provided, single submitter. Criteria: Ambry Variant Classification Scheme 2023. Collection method: clinical testing. Allele origin: germline.
Comment: The p.T1376I variant (also known as c.4127C>T), located in coding exon 10 of the BRCA1 gene, results from a C to T substitution at nucleotide position 4127. The threonine at codon 1376 is replaced by isoleucine, an amino acid with similar properties. This amino acid position is conserved. In addition, the in silico prediction for this alteration is inconclusive. Based on the available evidence, the clinical significance of this variant remains unclear.